The following is an entry in ClinVar:

NM_198965.2(PTHLH):c.50G>A (p.Ser17Asn)

Gene: PTHLH (parathyroid hormone like hormone; minus strand). Cytogenetic location: 12p11.22.
Variant type: single nucleotide variant.
Coding change: c.50G>A on transcript NM_198965.2 (MANE Select); coding-DNA position 50, G replaced by A.
Protein change: p.Ser17Asn; replaces serine 17 with asparagine.
Molecular consequence: missense variant.
Genome position (GRCh38, 1-based): chr12:27,969,445, C>T on the plus strand (G>A on the coding strand, the complement: PTHLH is on the minus strand). VCF-style: chr12-27969445-C-T. GRCh37 (hg19) VCF-style: chr12-28122378-C-T.
Other names: c.50G>A, p.Ser17Asn (NM_002820.3, NM_198964.2, NM_198966.2); short protein forms S17N.
Identifiers: ClinVar variation 1507762 (VCV001507762.8), dbSNP rs2062847968, ClinGen allele CA384339765.

ClinVar aggregate classification (germline): Uncertain significance (1 of 4 stars; one submission).

Allele frequency attached by ClinVar (database versions not stated): TOPMed below 0.00001.
gnomAD v4.1: 9 of 1,595,482 alleles (0.00056%); highest among the groups gnomAD compares: Admixed American, 0.0017%; no homozygotes.

Submission:

Labcorp Genetics (formerly Invitae), Labcorp
Classification: Uncertain significance. Last evaluated: 2021-07-10. Review status: criteria provided, single submitter. Criteria: Invitae Variant Classification Sherloc (09022015). Collection method: clinical testing. Allele origin: germline.
Comment: This sequence change replaces serine with asparagine at codon 17 of the PTHLH protein (p.Ser17Asn). The serine residue is highly conserved and there is a small physicochemical difference between serine and asparagine. This variant is not present in population databases (ExAC no frequency). This variant has not been reported in the literature in individuals affected with PTHLH-related conditions. Algorithms developed to predict the effect of missense changes on protein structure and function are either unavailable or do not agree on the potential impact of this missense change (SIFT: "Deleterious"; PolyPhen-2: "Benign"; Align-GVGD: "Class C0"). In summary, the available evidence is currently insufficient to determine the role of this variant in disease. Therefore, it has been classified as a Variant of Uncertain Significance.